The following is an entry in ClinVar:

NM_002439.5(MSH3):c.1040T>A (p.Leu347Gln)

Gene: MSH3 (mutS homolog 3; plus strand). Cytogenetic location: 5q14.1.
Variant type: single nucleotide variant.
Coding change: c.1040T>A on transcript NM_002439.5 (MANE Select); coding-DNA position 1040, T replaced by A.
Protein change: p.Leu347Gln; replaces leucine 347 with glutamine.
Molecular consequence: missense variant.
Genome position (GRCh38, 1-based): chr5:80,674,995, T>A. VCF-style: chr5-80674995-T-A. GRCh37 (hg19) VCF-style: chr5-79970814-T-A.
Other names: short protein forms L347Q.
Identifiers: ClinVar variation 3666360 (VCV003666360.2).
Genomic context (GRCh38, chr5:80,674,995, plus strand): 5'-TAGGATTTAGAATTTAGCATATAATTATTTTTCTTTAATTATTATTAAATGTGAATCCCC[T>A]AATCAAGCTGGATGATGCTGTAAATGTTGATGAGATAATGACTGATACTTCTACCAGCTA-3'
Protein context (NP_002430.3, residues 337-357): STLIGEDVNP[Leu347Gln]IKLDDAVNVD

ClinVar aggregate classification (germline): Uncertain significance (1 of 4 stars; one submission).

Submission:

Labcorp Genetics (formerly Invitae), Labcorp
Classification: Uncertain significance. Last evaluated: 2024-09-08. Review status: criteria provided, single submitter. Criteria: Invitae Variant Classification Sherloc (09022015). Collection method: clinical testing. Allele origin: germline.
Comment: This sequence change replaces leucine, which is neutral and non-polar, with glutamine, which is neutral and polar, at codon 347 of the MSH3 protein (p.Leu347Gln). This variant is not present in population databases (gnomAD no frequency). This variant has not been reported in the literature in individuals affected with MSH3-related conditions. An algorithm developed to predict the effect of missense changes on protein structure and function (PolyPhen-2) suggests that this variant is likely to be tolerated. In summary, the available evidence is currently insufficient to determine the role of this variant in disease. Therefore, it has been classified as a Variant of Uncertain Significance.